The following is an entry in ClinVar:

NM_144991.3(TSPEAR):c.790+5G>A

Gene: TSPEAR (thrombospondin type laminin G domain and EAR repeats; minus strand). Cytogenetic location: 21q22.3.
Variant type: single nucleotide variant.
Coding change: c.790+5G>A on transcript NM_144991.3 (MANE Select); 5 bases into the intron after coding-DNA position 790, G replaced by A.
Molecular consequence: intron variant.
Genome position (GRCh38, 1-based): chr21:44,529,793, C>T on the plus strand (G>A on the coding strand, the complement: TSPEAR is on the minus strand). VCF-style: chr21-44529793-C-T. GRCh37 (hg19) VCF-style: chr21-45949676-C-T.
Other names: c.586+5G>A (NM_001272037.2).
Identifiers: ClinVar variation 4073587 (VCV004073587.1).

ClinVar aggregate classification (germline): Uncertain significance (1 of 4 stars; one submission).

Conditions:
Ectodermal dysplasia 14, hair/tooth type with or without hypohidrosis. Identifiers: Orphanet 685067, MedGen C4748560, MONDO:0032584, OMIM 618180.

gnomAD v4.1: 5 of 1,613,702 alleles (0.00031%); highest among the groups gnomAD compares: Admixed American, 0.0083%; no homozygotes.

Submission:

Department of Pediatric Genetics, University of Health Sciences, Ankara Bilkent City Children’s Hospital
Classification: Uncertain significance for Ectodermal dysplasia 14, hair/tooth type with or without hypohidrosis. Last evaluated: 2024-12-01. Review status: criteria provided, single submitter. Criteria: ACMG Guidelines, 2015. Collection method: clinical testing. Allele origin: biparental. Affected: yes.
Comment: The c.790+5G>A variant in the TSPEAR gene (NM_144991.3) is a splice-site variant located in intron 5 and has not been previously reported in ClinVar. The allele frequency of this variant is not reported, and it is absent from population databases such as gnomAD (PM2). PM3 was applied based on the identification of the variant in a homozygous state in a patient with a clinically consistent autosomal recessive disorder. In silico prediction tools suggest that this variant may impact splicing (PP3). In summary, this variant meets the criteria to be classified as of uncertain significance for ectodermal dysplasia 14, hypohidrotic/hair/tooth/nail type (#618180), based on the ACMG guidelines (Richards et al., 2015), with supporting evidence from criteria PM2, PM3, and PP3.